The following is an entry in ClinVar:

NM_020117.11(LARS1):c.3286A>G (p.Ile1096Val)

Gene: LARS1 (leucyl-tRNA synthetase 1; minus strand). Cytogenetic location: 5q32.
Variant type: single nucleotide variant.
Coding change: c.3286A>G on transcript NM_020117.11 (MANE Select); coding-DNA position 3286, A replaced by G.
Protein change: p.Ile1096Val; replaces isoleucine 1096 with valine.
Molecular consequence: missense variant.
Genome position (GRCh38, 1-based): chr5:146,120,410, T>C on the plus strand (A>G on the coding strand, the complement: LARS1 is on the minus strand). VCF-style: chr5-146120410-T-C. GRCh37 (hg19) VCF-style: chr5-145499973-T-C.
Other names: c.3148A>G, p.Ile1050Val (NM_001317964.2); c.3124A>G, p.Ile1042Val (NM_001317965.2); c.3205A>G, p.Ile1069Val (NM_016460.4); c.3286A>G (NM_020117.9); short protein forms I1042V, I1050V, I1069V, I1096V.
Identifiers: ClinVar variation 1343694 (VCV001343694.3), dbSNP rs373129039, ClinGen allele CA3489068.
Genomic context (GRCh38, chr5:146,120,410, plus strand): 5'-GAGTTTTGGGGAACAACTTACCTTTAATTCCTCGATTCATTTTCATTAAACGCCTGATTA[T>C]GGAATCACAGTTATCTCCTTGCCTGATTTCAATTTTGGTTGAGAAGTGGCCATTGGATGG-3'
Protein context (NP_064502.9, residues 1086-1106): EIRQGDNCDS[Ile1096Val]IRRLMKMNRG

ClinVar aggregate classification (germline): Conflicting classifications of pathogenicity. Review status: criteria provided, conflicting classifications (1 of 4 stars). 3 submissions from 3 submitters: Uncertain significance (2); Likely benign (1). Last evaluated 2025-10-15.

Conditions:
Infantile liver failure syndrome 1 (ILFS1). Identifiers: Orphanet 370088, MedGen C3809522, MONDO:0024568, OMIM 615438.

Allele frequency attached by ClinVar (database versions not stated): gnomAD 0.00001 and 0.00010; 1000 Genomes Project 0.00120; ExAC 0.00010; gnomAD exomes 0.00011; 1000 Genomes Project 30x 0.00125; TOPMed 0.00002.
gnomAD v4.1: 87 of 1,613,428 alleles (0.0054%); highest among the groups gnomAD compares: East Asian, 0.053%; no homozygotes.

Submissions (3):

Ambry Genetics
Classification: Uncertain significance. Last evaluated: 2025-10-15. Review status: criteria provided, single submitter. Criteria: Ambry Variant Classification Scheme 2023. Collection method: clinical testing. Allele origin: germline.

3billion
Classification: Likely benign for Infantile liver failure syndrome 1. Last evaluated: 2024-09-20. Review status: criteria provided, single submitter. Criteria: ACMG Guidelines, 2015. Collection method: clinical testing. Allele origin: germline. Affected: no.
Comment: The homozygous variant was found in patients diagnosed with another variant in a different gene, with no symptoms related to the gene containing the homozygous variant.

Women's Health and Genetics/Laboratory Corporation of America, LabCorp
Classification: Uncertain significance. Last evaluated: 2022-02-18. Review status: criteria provided, single submitter. Criteria: LabCorp Variant Classification Summary - May 2015. Collection method: clinical testing. Allele origin: germline.